The following is an entry in ClinVar:

ClinVar aggregate classification (germline): Likely pathogenic (1 of 4 stars; one submission).

Allele frequency attached by ClinVar (database versions not stated): gnomAD exomes 0.00001.
gnomAD v4.1: 11 of 1,612,138 alleles (0.00068%); highest among the groups gnomAD compares: Non-Finnish European, 0.00085%; no homozygotes.

Submission:

Labcorp Genetics (formerly Invitae), Labcorp
Classification: Likely pathogenic. Last evaluated: 2023-04-30. Review status: criteria provided, single submitter. Criteria: Invitae Variant Classification Sherloc (09022015). Collection method: clinical testing. Allele origin: germline.
Comment: In summary, the currently available evidence indicates that the variant is pathogenic, but additional data are needed to prove that conclusively. Therefore, this variant has been classified as Likely Pathogenic. This variant disrupts the p.Asn32 amino acid residue in ABCC8. Other variant(s) that disrupt this residue have been determined to be pathogenic (PMID: 23275527, 28123437, 34055426). This suggests that this residue is clinically significant, and that variants that disrupt this residue are likely to be disease-causing. Advanced modeling of protein sequence and biophysical properties (such as structural, functional, and spatial information, amino acid conservation, physicochemical variation, residue mobility, and thermodynamic stability) performed at Invitae indicates that this missense variant is expected to disrupt ABCC8 protein function. This variant has not been reported in the literature in individuals affected with ABCC8-related conditions. This variant is not present in population databases (gnomAD no frequency). This sequence change replaces asparagine, which is neutral and polar, with serine, which is neutral and polar, at codon 32 of the ABCC8 protein (p.Asn32Ser).

Literature cited by the submitters: PubMed 23275527; PubMed 28123437; PubMed 34055426.

NM_000352.6(ABCC8):c.95A>G (p.Asn32Ser)

Gene: ABCC8 (ATP binding cassette subfamily C member 8; minus strand). Cytogenetic location: 11p15.1.
Variant type: single nucleotide variant.
Coding change: c.95A>G on transcript NM_000352.6 (MANE Select); coding-DNA position 95, A replaced by G.
Protein change: p.Asn32Ser; replaces asparagine 32 with serine.
Molecular consequence: missense variant. On other transcripts: non-coding transcript variant (1).
Genome position (GRCh38, 1-based): chr11:17,476,682, T>C on the plus strand (A>G on the coding strand, the complement: ABCC8 is on the minus strand). VCF-style: chr11-17476682-T-C. GRCh37 (hg19) VCF-style: chr11-17498229-T-C.
Other names: c.95A>G, p.Asn32Ser (NM_001287174.3, NM_001351295.2, NM_001351296.2 and 1 more transcripts); short protein forms N32S.
Identifiers: ClinVar variation 2912302 (VCV002912302.3), dbSNP rs1848801744, ClinGen allele CA379790013.